The following is an entry in ClinVar:

ClinVar aggregate classification (germline): Uncertain significance (1 of 4 stars; one submission).

Conditions:
Cardiovascular phenotype. Identifiers: MedGen CN230736.

Allele frequency attached by ClinVar (database versions not stated): TOPMed 0.00001.
gnomAD v4.1: 3 of 1,606,722 alleles (0.00019%); highest among the groups gnomAD compares: East Asian, 0.0022%; no homozygotes.

Submission:

Ambry Genetics
Classification: Uncertain significance for Cardiovascular phenotype. Last evaluated: 2025-05-14. Review status: criteria provided, single submitter. Criteria: Ambry Variant Classification Scheme 2023. Collection method: clinical testing. Allele origin: germline.
Comment: The p.M340I variant (also known as c.1020G>A), located in coding exon 8 of the GPD1L gene, results from a G to A substitution at nucleotide position 1020. The methionine at codon 340 is replaced by isoleucine, an amino acid with highly similar properties. This amino acid position is conserved. In addition, this alteration is predicted to be tolerated by in silico analysis. Since supporting evidence is limited at this time, the clinical significance of this alteration remains unclear.

NM_015141.4(GPD1L):c.1020G>A (p.Met340Ile)

Gene: GPD1L (glycerol-3-phosphate dehydrogenase 1 like; plus strand). Cytogenetic location: 3p22.3.
Variant type: single nucleotide variant.
Coding change: c.1020G>A on transcript NM_015141.4 (MANE Select); coding-DNA position 1020, G replaced by A.
Protein change: p.Met340Ile; replaces methionine 340 with isoleucine.
Molecular consequence: missense variant.
Genome position (GRCh38, 1-based): chr3:32,165,874, G>A. VCF-style: chr3-32165874-G-A. GRCh37 (hg19) VCF-style: chr3-32207366-G-A.
Other names: short protein forms M340I.
Identifiers: ClinVar variation 1758974 (VCV001758974.3), dbSNP rs1225282992, ClinGen allele CA351970617.